The following is an entry in ClinVar:

ClinVar aggregate classification (germline): Likely benign. Review status: criteria provided, multiple submitters, no conflicts (2 of 4 stars). 2 submissions from 2 submitters: Likely benign (2). Last evaluated 2026-01-18.

Conditions:
Bethlem myopathy 1A. Also called: MYOPATHY, BENIGN CONGENITAL, WITH CONTRACTURES; Bethlem myopathy 1; Bethlem Muscular Dystrophy. Identifiers: Orphanet 610, MedGen CN029274, MONDO:0024530, OMIM 158810.

Allele frequency attached by ClinVar (database versions not stated): TOPMed 0.00002; ExAC 0.00003; gnomAD 0.00003; gnomAD exomes 0.00003.
gnomAD v4.1: 299 of 1,612,532 alleles (0.019%); highest among the groups gnomAD compares: Non-Finnish European, 0.025%; no homozygotes.

Submissions (2):

Labcorp Genetics (formerly Invitae), Labcorp
Classification: Likely benign for Bethlem myopathy 1A. Last evaluated: 2026-01-18. Review status: criteria provided, single submitter. Criteria: Invitae Variant Classification Sherloc (09022015). Collection method: clinical testing. Allele origin: germline.

GeneDx
Classification: Likely benign. Last evaluated: 2018-03-13. Review status: criteria provided, single submitter. Criteria: GeneDx Variant Classification (06012015). Collection method: clinical testing. Allele origin: germline. Affected: yes.
Comment: This variant is considered likely benign or benign based on one or more of the following criteria: it is a conservative change, it occurs at a poorly conserved position in the protein, it is predicted to be benign by multiple in silico algorithms, and/or has population frequency not consistent with disease.

NM_001849.4(COL6A2):c.999+14C>T

Gene: COL6A2 (collagen type VI alpha 2 chain; plus strand). Cytogenetic location: 21q22.3.
Variant type: single nucleotide variant.
Coding change: c.999+14C>T on transcript NM_001849.4 (MANE Select); 14 bases into the intron after coding-DNA position 999, C replaced by T.
Molecular consequence: intron variant.
Genome position (GRCh38, 1-based): chr21:46,116,828, C>T. VCF-style: chr21-46116828-C-T. GRCh37 (hg19) VCF-style: chr21-47536742-C-T.
Other names: c.999+14C>T (NM_058175.3, NM_058174.3).
Identifiers: ClinVar variation 516003 (VCV000516003.6), dbSNP rs761013382, ClinGen allele CA10071609.